The following is an entry in ClinVar:

NM_021098.3(CACNA1H):c.2834C>T (p.Thr945Ile)

Gene: CACNA1H (calcium voltage-gated channel subunit alpha1 H; plus strand). Cytogenetic location: 16p13.3.
Variant type: single nucleotide variant.
Coding change: c.2834C>T on transcript NM_021098.3 (MANE Select); coding-DNA position 2834, C replaced by T.
Protein change: p.Thr945Ile; replaces threonine 945 with isoleucine.
Molecular consequence: missense variant.
Genome position (GRCh38, 1-based): chr16:1,207,045, C>T. VCF-style: chr16-1207045-C-T. GRCh37 (hg19) VCF-style: chr16-1257045-C-T.
Other names: c.2834C>T, p.Thr945Ile (NM_001005407.2); short protein forms T945I.
Identifiers: ClinVar variation 2939564 (VCV002939564.3), dbSNP rs2548678407, ClinGen allele CA394170060.

ClinVar aggregate classification (germline): Uncertain significance (1 of 4 stars; one submission).

Conditions:
Hyperaldosteronism, familial, type IV (HALD4). Also called: FH IV; ALDOSTERONISM, PRIMARY, AND HYPERTENSION. Identifiers: Orphanet 642671, MedGen C4310756, MONDO:0014875, OMIM 617027.
Idiopathic generalized epilepsy. Also called: EIG; Generalised epilepsy. Identifiers: MedGen C0270850, MONDO:0005579, OMIM 600669.

Allele frequency attached by ClinVar (database versions not stated): gnomAD exomes below 0.00001.
gnomAD v4.1: 1 of 1,602,194 alleles (0.000062%); highest among the groups gnomAD compares: Non-Finnish European, 0.000085%; no homozygotes.

Submission:

Labcorp Genetics (formerly Invitae), Labcorp
Classification: Uncertain significance for Idiopathic generalized epilepsy; Hyperaldosteronism, familial, type IV. Last evaluated: 2023-05-17. Review status: criteria provided, single submitter. Criteria: Invitae Variant Classification Sherloc (09022015). Collection method: clinical testing. Allele origin: germline.
Comment: In summary, the available evidence is currently insufficient to determine the role of this variant in disease. Therefore, it has been classified as a Variant of Uncertain Significance. Advanced modeling of protein sequence and biophysical properties (such as structural, functional, and spatial information, amino acid conservation, physicochemical variation, residue mobility, and thermodynamic stability) performed at Invitae indicates that this missense variant is not expected to disrupt CACNA1H protein function. This variant has not been reported in the literature in individuals affected with CACNA1H-related conditions. This variant is not present in population databases (gnomAD no frequency). This sequence change replaces threonine, which is neutral and polar, with isoleucine, which is neutral and non-polar, at codon 945 of the CACNA1H protein (p.Thr945Ile).